The following is an entry in ClinVar:

NM_032119.4(ADGRV1):c.1289C>T (p.Ser430Phe)

Gene: ADGRV1 (adhesion G protein-coupled receptor V1; plus strand). Cytogenetic location: 5q14.3.
Variant type: single nucleotide variant.
Coding change: c.1289C>T on transcript NM_032119.4 (MANE Select); coding-DNA position 1289, C replaced by T.
Protein change: p.Ser430Phe; replaces serine 430 with phenylalanine.
Molecular consequence: missense variant. On other transcripts: non-coding transcript variant (1).
Genome position (GRCh38, 1-based): chr5:90,628,612, C>T. VCF-style: chr5-90628612-C-T. GRCh37 (hg19) VCF-style: chr5-89924429-C-T.
Other names: c.1289C>T (NM_032119.3); short protein forms S430F.
Identifiers: ClinVar variation 1994682 (VCV001994682.2), dbSNP rs773807940, ClinGen allele CA3338662.

ClinVar aggregate classification (germline): Uncertain significance. Review status: criteria provided, multiple submitters, no conflicts (2 of 4 stars). 2 submissions from 2 submitters: Uncertain significance (2). Last evaluated 2024-07-07.

Conditions:
Inborn genetic diseases. Identifiers: MedGen C0950123, MeSH D030342.

Allele frequency attached by ClinVar (database versions not stated): TOPMed below 0.00001; ExAC 0.00001; gnomAD 0.00001; gnomAD exomes 0.00001.

Submissions (2):

Ambry Genetics
Classification: Uncertain significance for Inborn genetic diseases. Last evaluated: 2024-07-07. Review status: criteria provided, single submitter. Criteria: Ambry Variant Classification Scheme 2023. Collection method: clinical testing. Allele origin: germline.

Labcorp Genetics (formerly Invitae), Labcorp
Classification: Uncertain significance. Last evaluated: 2022-05-15. Review status: criteria provided, single submitter. Criteria: Invitae Variant Classification Sherloc (09022015). Collection method: clinical testing. Allele origin: germline.
Comment: This sequence change replaces serine, which is neutral and polar, with phenylalanine, which is neutral and non-polar, at codon 430 of the ADGRV1 protein (p.Ser430Phe). This variant is present in population databases (rs773807940, gnomAD 0.0009%). This variant has not been reported in the literature in individuals affected with ADGRV1-related conditions. Algorithms developed to predict the effect of missense changes on protein structure and function are either unavailable or do not agree on the potential impact of this missense change (SIFT: "Deleterious"; PolyPhen-2: "Possibly Damaging"; Align-GVGD: "Class C0"). In summary, the available evidence is currently insufficient to determine the role of this variant in disease. Therefore, it has been classified as a Variant of Uncertain Significance.